The following is an entry in ClinVar:

NM_144599.5(NIPA1):c.662C>T (p.Pro221Leu)

Gene: NIPA1 (NIPA magnesium transporter 1; plus strand). Cytogenetic location: 15q11.2.
Variant type: single nucleotide variant.
Coding change: c.662C>T on transcript NM_144599.5 (MANE Select); coding-DNA position 662, C replaced by T.
Protein change: p.Pro221Leu; replaces proline 221 with leucine.
Molecular consequence: missense variant.
Genome position (GRCh38, 1-based): chr15:22,823,911, C>T. VCF-style: chr15-22823911-C-T. GRCh37 (hg19) VCF-style: chr15-23049157-G-A.
Other names: c.437C>T, p.Pro146Leu (NM_001142275.1); short protein forms P221L, P146L.
Identifiers: ClinVar variation 836324 (VCV000836324.8), dbSNP rs781753198, ClinGen allele CA7426020.

ClinVar aggregate classification (germline): Uncertain significance (1 of 4 stars; one submission).

Conditions:
Hereditary spastic paraplegia 6 (SPG6). Also called: SPASTIC PARAPLEGIA 6, AUTOSOMAL DOMINANT. Identifiers: Orphanet 100988, MedGen C1838192, MONDO:0010878, OMIM 600363.

Allele frequency attached by ClinVar (database versions not stated): gnomAD 0.00001; TOPMed 0.00001; gnomAD exomes 0.00004 and 0.00006; ExAC 0.00007.
gnomAD v4.1: 57 of 1,614,066 alleles (0.0035%); highest among the groups gnomAD compares: South Asian, 0.043%; no homozygotes.

Submission:

Labcorp Genetics (formerly Invitae), Labcorp
Classification: Uncertain significance for Hereditary spastic paraplegia 6. Last evaluated: 2022-10-28. Review status: criteria provided, single submitter. Criteria: Invitae Variant Classification Sherloc (09022015). Collection method: clinical testing. Allele origin: germline.
Comment: This sequence change replaces proline, which is neutral and non-polar, with leucine, which is neutral and non-polar, at codon 221 of the NIPA1 protein (p.Pro221Leu). This variant is present in population databases (rs781753198, gnomAD 0.04%), and has an allele count higher than expected for a pathogenic variant. This missense change has been observed in individual(s) with amyotrophic lateral sclerosis (PMID: 22378146). ClinVar contains an entry for this variant (Variation ID: 836324). Algorithms developed to predict the effect of missense changes on protein structure and function are either unavailable or do not agree on the potential impact of this missense change (SIFT: "Tolerated"; PolyPhen-2: "Possibly Damaging"; Align-GVGD: "Class C0"). In summary, the available evidence is currently insufficient to determine the role of this variant in disease. Therefore, it has been classified as a Variant of Uncertain Significance.

Literature cited by the submitters: PubMed 22378146.